The following is an entry in ClinVar:

NM_014225.6(PPP2R1A):c.1537G>A (p.Gly513Arg)

Genes: PPP2R1A (protein phosphatase 2 scaffold subunit Aalpha; plus strand), LOC126862924 (BRD4-independent group 4 enhancer GRCh37_chr19:52724813-52726012; plus strand). Cytogenetic location: 19q13.41.
Variant type: single nucleotide variant.
Coding change: c.1537G>A on transcript NM_014225.6 (MANE Select); coding-DNA position 1537, G replaced by A.
Protein change: p.Gly513Arg; replaces glycine 513 with arginine.
Molecular consequence: missense variant. On other transcripts: non-coding transcript variant (1).
Genome position (GRCh38, 1-based): chr19:52,222,117, G>A. VCF-style: chr19-52222117-G-A. GRCh37 (hg19) VCF-style: chr19-52725370-G-A.
Other names: c.1000G>A, p.Gly334Arg (NM_001363656.2); short protein forms G513R, G334R.
Identifiers: ClinVar variation 3008965 (VCV003008965.3), dbSNP rs770604606, ClinGen allele CA9621634.
Genomic context (GRCh38, chr19:52,222,117, plus strand): 5'-AGGAGCTTTGCATACTCACCCCTGCCACTCACTGGCCCCCAGGTGCTGTCTGAGGTCTGT[G>A]GGCAGGACATCACCACCAAGCACATGCTACCCACGGTTCTGCGCATGGCTGGGGACCCGG-3'
Protein context (NP_055040.2, residues 503-523): FCINVLSEVC[Gly513Arg]QDITTKHMLP

ClinVar aggregate classification (germline): Uncertain significance (1 of 4 stars; one submission).

Allele frequency attached by ClinVar (database versions not stated): gnomAD exomes 0.00002; ExAC 0.00003.
gnomAD v4.1: 24 of 1,613,046 alleles (0.0015%); highest among the groups gnomAD compares: South Asian, 0.025%; no homozygotes.

Submission:

Labcorp Genetics (formerly Invitae), Labcorp
Classification: Uncertain significance. Last evaluated: 2023-07-12. Review status: criteria provided, single submitter. Criteria: Invitae Variant Classification Sherloc (09022015). Collection method: clinical testing. Allele origin: germline.
Comment: This sequence change replaces glycine, which is neutral and non-polar, with arginine, which is basic and polar, at codon 513 of the PPP2R1A protein (p.Gly513Arg). This variant is present in population databases (rs770604606, gnomAD 0.03%). This variant has not been reported in the literature in individuals affected with PPP2R1A-related conditions. Advanced modeling of protein sequence and biophysical properties (such as structural, functional, and spatial information, amino acid conservation, physicochemical variation, residue mobility, and thermodynamic stability) performed at Invitae indicates that this missense variant is expected to disrupt PPP2R1A protein function. In summary, the available evidence is currently insufficient to determine the role of this variant in disease. Therefore, it has been classified as a Variant of Uncertain Significance.